The following is an entry in ClinVar:

NM_000179.3(MSH6):c.873C>T (p.Asn291=)

Gene: MSH6 (mutS homolog 6; plus strand). Cytogenetic location: 2p16.3.
Variant type: single nucleotide variant.
Coding change: c.873C>T on transcript NM_000179.3 (MANE Select); coding-DNA position 873, C replaced by T.
Protein change: p.Asn291=; no amino-acid change (asparagine 291 retained).
Molecular consequence: synonymous variant. On other transcripts: 5 prime UTR variant (2).
Genome position (GRCh38, 1-based): chr2:47,798,856, C>T. VCF-style: chr2-47798856-C-T. GRCh37 (hg19) VCF-style: chr2-48025995-C-T.
Other names: c.483C>T, p.Asn161= (NM_001281492.2); c.-34C>T (NM_001281493.2, NM_001281494.2).
Identifiers: ClinVar variation 233623 (VCV000233623.17), dbSNP rs876660529, ClinGen allele CA10578050.
Genomic context (GRCh38, chr2:47,798,856, plus strand): 5'-GGAAGGAAGCAGTGATGAAATAAGCAGTGGAGTGGGGGATAGTGAGAGTGAAGGCCTGAA[C>T]AGCCCTGTCAAAGTTGCTCGAAAGCGGAAGAGAATGGTGACTGGAAATGGCTCTCTTAAA-3'
Protein context (NP_000170.1, residues 281-301): GVGDSESEGL[Asn291=]SPVKVARKRK

ClinVar aggregate classification (germline): Benign/Likely benign. Review status: criteria provided, multiple submitters, no conflicts (2 of 4 stars). 5 submissions from 5 submitters: Benign (1); Likely benign (4). Last evaluated 2025-12-21.

Conditions:
Lynch syndrome 5 (LYNCH5). Also called: Colorectal cancer, hereditary nonpolyposis, type 5; Hereditary non-polyposis colorectal cancer, type 5. Identifiers: Orphanet 144, MedGen C1833477, MONDO:0013710, OMIM 614350. Disease mechanism: loss of function.
Hereditary cancer-predisposing syndrome. Also called: Neoplastic Syndromes, Hereditary; Tumor predisposition; Hereditary Cancer Syndrome; Hereditary neoplastic syndrome. Identifiers: Orphanet 140162, MedGen C0027672, MeSH D009386, MONDO:0015356.
Hereditary nonpolyposis colorectal neoplasms. Identifiers: MedGen C0009405, MeSH D003123.
Lynch syndrome. Identifiers: Orphanet 144, MedGen C4552100, MONDO:0005835. Disease mechanism: loss of function.

gnomAD v4.1: 3 of 1,614,148 alleles (0.00019%); highest among the groups gnomAD compares: South Asian, 0.0011%; no homozygotes.

Submissions (5):

Labcorp Genetics (formerly Invitae), Labcorp
Classification: Likely benign for Hereditary nonpolyposis colorectal neoplasms. Last evaluated: 2025-12-21. Review status: criteria provided, single submitter. Criteria: Invitae Variant Classification Sherloc (09022015). Collection method: clinical testing. Allele origin: germline.

Myriad Genetics, Inc.
Classification: Benign for Lynch syndrome 5. Last evaluated: 2024-12-20. Review status: criteria provided, single submitter. Criteria: Myriad Autosomal Dominant, Autosomal Recessive and X-Linked Classification Criteria (2023). Collection method: clinical testing. Allele origin: unknown.
Comment: This variant is considered benign. This variant is a silent/synonymous amino acid change and it is not expected to impact splicing.

All of Us Research Program, National Institutes of Health
Classification: Likely benign for Lynch syndrome. Last evaluated: 2023-12-01. Review status: criteria provided, single submitter. Criteria: ACMG Guidelines, 2015. Collection method: clinical testing. Allele origin: germline. Inheritance: Autosomal dominant inheritance. Observed: 1 variant allele, 1 heterozygote.
Comment: This study involves interpretation of variants in research participants for the purpose of population health screening. Participant phenotype was not available at the time of variant classification. Additional details can be found in publication PMID: 35346344, PMCID: PMC8962531

Color Diagnostics, LLC DBA Color Health
Classification: Likely benign for Hereditary cancer-predisposing syndrome. Last evaluated: 2017-08-21. Review status: criteria provided, single submitter. Criteria: ACMG Guidelines, 2015. Collection method: clinical testing. Allele origin: germline.

Ambry Genetics
Classification: Likely benign for Hereditary cancer-predisposing syndrome. Last evaluated: 2015-08-29. Review status: criteria provided, single submitter. Criteria: Ambry Variant Classification Scheme 2023. Collection method: clinical testing. Allele origin: germline.